The following is an entry in ClinVar:

ClinVar aggregate classification (germline): Uncertain significance (1 of 4 stars; one submission).

gnomAD v4.1: 2 of 1,613,184 alleles (0.00012%); highest among the groups gnomAD compares: African/African-American, 0.0013%; no homozygotes.

Submission:

GeneDx
Classification: Uncertain significance. Last evaluated: 2023-12-01. Review status: criteria provided, single submitter. Criteria: GeneDx Variant Classification Process June 2021. Collection method: clinical testing. Allele origin: germline. Affected: yes.
Comment: Not observed at significant frequency in large population cohorts (gnomAD); In silico analysis supports that this missense variant does not alter protein structure/function; Has not been previously published as pathogenic or benign to our knowledge

NM_001161352.2(KCNMA1):c.535G>A (p.Val179Ile)

Gene: KCNMA1 (potassium calcium-activated channel subfamily M alpha 1; minus strand). Cytogenetic location: 10q22.3.
Variant type: single nucleotide variant.
Coding change: c.535G>A on transcript NM_001161352.2 (MANE Select); coding-DNA position 535, G replaced by A.
Protein change: p.Val179Ile; replaces valine 179 with isoleucine.
Molecular consequence: missense variant. On other transcripts: intron variant (1).
Genome position (GRCh38, 1-based): chr10:77,403,867, C>T on the plus strand (G>A on the coding strand, the complement: KCNMA1 is on the minus strand). VCF-style: chr10-77403867-C-T. GRCh37 (hg19) VCF-style: chr10-79163625-C-T.
Other names: c.535G>A, p.Val179Ile (NM_001014797.3, NM_001161353.2, NM_001271519.2 and 8 more transcripts); c.379-152611G>A (NM_001271518.2); short protein forms V179I.
Identifiers: ClinVar variation 3364927 (VCV003364927.1).
Genomic context (GRCh38, chr10:77,403,867, plus strand): 5'-CCACCTTGGCCCAGACAGCAAGGCCTCCTGGTGTGAGAAGTGGGTGGAGACTCACCAGGA[C>T]TCTGCCAGTCAGTGTCTGGGCGGATATCATCACCCCCGCCCAGTCCTTCACGGAGGTCAT-3'
Protein context (NP_001154824.1, residues 169-189): MISAQTLTGR[Val179Ile]LVVLVFALSI